The following is an entry in ClinVar:

ClinVar aggregate classification (germline): Uncertain significance (1 of 4 stars; one submission).

Conditions:
Inflammatory bowel disease. Identifiers: Orphanet 104012, MedGen C0021390, MONDO:0005265.

Submission:

Labcorp Genetics (formerly Invitae), Labcorp
Classification: Uncertain significance for Inflammatory bowel disease. Last evaluated: 2022-03-14. Review status: criteria provided, single submitter. Criteria: Invitae Variant Classification Sherloc (09022015). Collection method: clinical testing. Allele origin: germline.
Comment: In summary, the available evidence is currently insufficient to determine the role of this variant in disease. Therefore, it has been classified as a Variant of Uncertain Significance. Algorithms developed to predict the effect of missense changes on protein structure and function are either unavailable or do not agree on the potential impact of this missense change (SIFT: "Deleterious"; PolyPhen-2: "Probably Damaging"; Align-GVGD: "Class C0"). This variant has not been reported in the literature in individuals affected with IL10-related conditions. This variant is not present in population databases (gnomAD no frequency). This sequence change replaces methionine, which is neutral and non-polar, with lysine, which is basic and polar, at codon 86 of the IL10 protein (p.Met86Lys).

NM_000572.3(IL10):c.257T>A (p.Met86Lys)

Genes: IL10 (interleukin 10; minus strand), IL19 (interleukin 19; plus strand), LOC129932369 (ATAC-STARR-seq lymphoblastoid active region 2419; plus strand). Cytogenetic location: 1q32.1.
Variant type: single nucleotide variant.
Coding change: c.257T>A on transcript NM_000572.3 (MANE Select); coding-DNA position 257, T replaced by A.
Protein change: p.Met86Lys; replaces methionine 86 with lysine.
Molecular consequence: missense variant. On other transcripts: 5 prime UTR variant (1), initiator codon variant (1), non-coding transcript variant (1), intron variant (1).
Genome position (GRCh38, 1-based): chr1:206,771,028, A>T on the plus strand (T>A on the coding strand, the complement: IL10 is on the minus strand). VCF-style: chr1-206771028-A-T. GRCh37 (hg19) VCF-style: chr1-206944373-A-T.
Other names: c.-199A>T (NM_153758.5); c.2T>A, p.Met1Lys (NM_001382624.1); c.-149+198A>T (NM_001393490.1); short protein forms M1K, M86K.
Identifiers: ClinVar variation 2112161 (VCV002112161.5), dbSNP rs2526391945, ClinGen allele CA344482187.